The following is an entry in ClinVar:

ClinVar aggregate classification (germline): Pathogenic. Review status: criteria provided, single submitter (1 of 4 stars). 2 submissions from 2 submitters: Pathogenic (1). 1 of the submissions does not count toward it. Last evaluated 2022-10-17.

Conditions:
Acyl-CoA oxidase deficiency. Also called: STRAIGHT-CHAIN ACYL-CoA OXIDASE DEFICIENCY; Peroxisomal acyl-CoA oxidase deficiency; Pseudoneonatal adrenoleukodystrophy. Identifiers: Orphanet 2971, MedGen C1849678, MONDO:0009919, OMIM 264470. Disease mechanism: loss of function.

Allele frequency attached by ClinVar (database versions not stated): gnomAD exomes below 0.00001.
gnomAD v4.1: 1 of 1,612,884 alleles (0.000062%); highest among the groups gnomAD compares: Non-Finnish European, 0.000085%; no homozygotes.

Submissions (2):

Labcorp Genetics (formerly Invitae), Labcorp
Classification: Pathogenic for Acyl-CoA oxidase deficiency. Last evaluated: 2022-10-17. Review status: criteria provided, single submitter. Criteria: Invitae Variant Classification Sherloc (09022015). Collection method: clinical testing. Allele origin: germline.
Comment: For these reasons, this variant has been classified as Pathogenic. Algorithms developed to predict the effect of sequence changes on RNA splicing suggest that this variant may disrupt the consensus splice site. ClinVar contains an entry for this variant (Variation ID: 1252014). This variant is also known as IVS3-1G>A. Disruption of this splice site has been observed in individual(s) with peroxisomal acyl-CoA oxidase deficiency (PMID: 16773508, 30561787). This variant is not present in population databases (gnomAD no frequency). This sequence change affects an acceptor splice site in intron 3 of the ACOX1 gene. It is expected to disrupt RNA splicing. Variants that disrupt the donor or acceptor splice site typically lead to a loss of protein function (PMID: 16199547), and loss-of-function variants in ACOX1 are known to be pathogenic (PMID: 8040306, 17458872).

Genomic Medicine Center of Excellence, King Faisal Specialist Hospital and Research Centre
Classification: Pathogenic for Acyl-CoA oxidase deficiency. Last evaluated: 2021-04-29. Review status: no assertion criteria provided. Collection method: research. Allele origin: germline. Affected: yes. Not counted in ClinVar's aggregate classification.

Literature cited by the submitters: PubMed 16773508 (cited by Labcorp Genetics (formerly Invitae), Labcorp); PubMed 30561787 (cited by Labcorp Genetics (formerly Invitae), Labcorp); PubMed 16199547 (cited by Labcorp Genetics (formerly Invitae), Labcorp); PubMed 8040306 (cited by Labcorp Genetics (formerly Invitae), Labcorp); PubMed 17458872 (cited by Labcorp Genetics (formerly Invitae), Labcorp).

NM_004035.7(ACOX1):c.431-1G>A

Gene: ACOX1 (acyl-CoA oxidase 1; minus strand). Cytogenetic location: 17q25.1.
Variant type: single nucleotide variant.
Coding change: c.431-1G>A on transcript NM_004035.7 (MANE Select); the canonical splice acceptor site of the intron before coding-DNA position 431, G replaced by A.
Molecular consequence: splice acceptor variant.
Genome position (GRCh38, 1-based): chr17:75,957,567, C>T on the plus strand (G>A on the coding strand, the complement: ACOX1 is on the minus strand). VCF-style: chr17-75957567-C-T. GRCh37 (hg19) VCF-style: chr17-73953648-C-T.
Other names: c.431-1G>A (NM_007292.6); c.317-1G>A (NM_001185039.2).
Identifiers: ClinVar variation 1252014 (VCV001252014.6), dbSNP rs773710550, ClinGen allele CA294111578.